The following is an entry in ClinVar:

NM_018062.4(FANCL):c.900dup (p.Ser301fs)

Gene: FANCL (FA complementation group L; minus strand). Cytogenetic location: 2p16.1.
Variant type: Duplication.
Coding change: c.900dup on transcript NM_018062.4 (MANE Select); coding-DNA position 900, one base duplicated (A; older notation c.900dupA).
Protein change: p.Ser301fs; shifts the reading frame from serine 301.
Molecular consequence: frameshift variant. On other transcripts: non-coding transcript variant (1).
Genome position (GRCh38, 1-based): chr2:58,162,869, T duplicated on the plus strand (A on the coding strand, the reverse complement: FANCL is on the minus strand); the first of 5 consecutive T bases (chr2:58,162,869-58,162,873); duplicating any one gives the same sequence. VCF-style (leftmost placement, unchanged base first): chr2-58162868-A-AT. GRCh37 (hg19) VCF-style: chr2-58390003-A-AT.
Other names: c.915dup, p.Ser306fs (NM_001114636.2); c.945dup, p.Ser316fs (NM_001374615.1); c.960dup, p.Ser321fs (NM_001410792.1); short protein forms S301fs, S306fs, S316fs, S321fs.
Identifiers: ClinVar variation 3391213 (VCV003391213.1).
Genomic context (GRCh38, chr2:58,162,868, plus strand): 5'-GCATTTAAACTTCATTATGCAATACTGTCTGGAATATCAAAACACTGATAAAACTTACAG[A>AT]TTTTTCCAGGATAGCACGAGCTGGAAAATCAATTTCTAAAACATCTTTCAAATTTTGTAA-3'

ClinVar aggregate classification (germline): Likely pathogenic (1 of 4 stars; one submission).

Conditions:
Fanconi anemia complementation group L (FANCL). Also called: FANCL-Related Fanconi Anemia. Identifiers: Orphanet 84, MedGen C3469528, MONDO:0013566, OMIM 614083.

Submission:

Neuberg Centre For Genomic Medicine, NCGM
Classification: Likely pathogenic for Fanconi anemia complementation group L. Review status: criteria provided, single submitter. Criteria: ACMG Guidelines, 2015. Collection method: clinical testing. Allele origin: germline. Inheritance: Autosomal dominant inheritance. Affected: yes.
Comment: The frameshift variant c.900dup p.Ser301IlefsTer2 in FANCL gene has not been reported previously as a pathogenic variant nor as a benign variant, to our knowledge. The observed variant is absent in gnomAD exomes database. This variant has not been submitted to the ClinVar database. This variant causes a frameshift starting with codon Serine 301, changes this amino acid to Isoleucine residue, and creates a premature Stop codon at position 2 of the new reading frame, denoted p.Ser301IlefsTer2. This variant is predicted to cause loss of normal protein function through protein truncation. Loss of function variants have been previously reported to be disease causing. For these reasons, this variant has been classified as Likely Pathogenic.